The following is an entry in ClinVar:

ClinVar aggregate classification (germline): Uncertain significance (1 of 4 stars; one submission).

Submission:

GeneDx
Classification: Uncertain significance. Last evaluated: 2023-02-16. Review status: criteria provided, single submitter. Criteria: GeneDx Variant Classification Process June 2021. Collection method: clinical testing. Allele origin: germline. Affected: yes.
Comment: Not observed at significant frequency in large population cohorts (gnomAD); Frameshift variant predicted to result in protein truncation or nonsense mediated decay in a gene or region of a gene for which loss of function is not a well-established mechanism of disease; Has not been previously published as pathogenic or benign to our knowledge

NM_001273.5(CHD4):c.631_648delinsCA (p.Glu211fs)

Gene: CHD4 (chromodomain helicase DNA binding protein 4; minus strand). Cytogenetic location: 12p13.31.
Variant type: Indel.
Coding change: c.631_648delinsCA on transcript NM_001273.5 (MANE Select); coding-DNA positions 631 to 648, GAGTTCAGTACCAATAAC replaced by CA.
Protein change: p.Glu211fs; shifts the reading frame from glutamic acid 211.
Molecular consequence: frameshift variant.
Genome position (GRCh38, 1-based): chr12:6,601,440-6,601,457, GTTATTGGTACTGAACTC replaced by TG on the plus strand (GAGTTCAGTACCAATAAC replaced by CA on the coding strand, the reverse complement: CHD4 is on the minus strand). VCF-style: chr12-6601440-GTTATTGGTACTGAACTC-TG. GRCh37 (hg19) VCF-style: chr12-6710606-GTTATTGGTACTGAACTC-TG.
Other names: c.610_627delinsCA, p.Glu204fs (NM_001297553.2); c.631_648delinsCA, p.Glu211fs (NM_001363606.2); short protein forms E204fs, E211fs.
Identifiers: ClinVar variation 2576653 (VCV002576653.1), dbSNP rs2540414370, ClinGen allele CA2580615127.
Genomic context (GRCh38, chr12:6,601,440, plus strand): 5'-CACAGCTACCGCTGCTGCTGCCGCAGCTGCCACTGATGCCCCAGAACTGCCTTTGAAGGG[GTTATTGGTACTGAACTC>TG]CCGCCATTTTGCACCCAAAACCATCATCATCTTGGAGACAGCAATCTTGGGATTTTTGGC-3'